The following is an entry in ClinVar:

NM_033100.4(CDHR1):c.1696dup (p.Leu566fs)

Gene: CDHR1 (cadherin related family member 1; plus strand). Cytogenetic location: 10q23.1.
Variant type: Duplication.
Coding change: c.1696dup on transcript NM_033100.4 (MANE Select); coding-DNA position 1696, one base duplicated (C; older notation c.1696dupC).
Protein change: p.Leu566fs; shifts the reading frame from leucine 566.
Molecular consequence: frameshift variant.
Genome position (GRCh38, 1-based): chr10:84,212,321, C duplicated. VCF-style (leftmost placement, unchanged base first): chr10-84212320-A-AC. GRCh37 (hg19) VCF-style: chr10-85972076-A-AC.
Other names: c.1696dup, p.Leu566fs (NM_001171971.3); short protein forms L566fs.
Identifiers: ClinVar variation 2739246 (VCV002739246.3), dbSNP rs2492539063, ClinGen allele CA2697558503.

ClinVar aggregate classification (germline): Pathogenic (1 of 4 stars; one submission).

Submission:

Labcorp Genetics (formerly Invitae), Labcorp
Classification: Pathogenic. Last evaluated: 2023-07-17. Review status: criteria provided, single submitter. Criteria: Invitae Variant Classification Sherloc (09022015). Collection method: clinical testing. Allele origin: germline.
Comment: For these reasons, this variant has been classified as Pathogenic. This variant has not been reported in the literature in individuals affected with CDHR1-related conditions. This variant is not present in population databases (gnomAD no frequency). This sequence change creates a premature translational stop signal (p.Leu566Profs*6) in the CDHR1 gene. It is expected to result in an absent or disrupted protein product. Loss-of-function variants in CDHR1 are known to be pathogenic (PMID: 23044944, 23591405, 26103963, 26261414).

Literature cited by the submitters: PubMed 23044944; PubMed 23591405; PubMed 26103963; PubMed 26261414.